The following is an entry in ClinVar:

NM_013432.5(TONSL):c.3622A>G (p.Arg1208Gly)

Gene: TONSL (tonsoku like, DNA repair protein; minus strand). Cytogenetic location: 8q24.3.
Variant type: single nucleotide variant.
Coding change: c.3622A>G on transcript NM_013432.5 (MANE Select); coding-DNA position 3622, A replaced by G.
Protein change: p.Arg1208Gly; replaces arginine 1208 with glycine.
Molecular consequence: missense variant.
Genome position (GRCh38, 1-based): chr8:144,432,398, T>C on the plus strand (A>G on the coding strand, the complement: TONSL is on the minus strand). VCF-style: chr8-144432398-T-C. GRCh37 (hg19) VCF-style: chr8-145657781-T-C.
Other names: short protein forms R1208G.
Identifiers: ClinVar variation 4702949 (VCV004702949.1).

ClinVar aggregate classification (germline): Uncertain significance (1 of 4 stars; one submission).

gnomAD v4.1: 3 of 1,600,910 alleles (0.00019%); highest among the groups gnomAD compares: Non-Finnish European, 0.00017%; no homozygotes.

Submission:

Labcorp Genetics (formerly Invitae), Labcorp
Classification: Uncertain significance. Last evaluated: 2025-05-12. Review status: criteria provided, single submitter. Criteria: Invitae Variant Classification Sherloc (09022015). Collection method: clinical testing. Allele origin: germline.
Comment: This sequence change replaces arginine, which is basic and polar, with glycine, which is neutral and non-polar, at codon 1208 of the TONSL protein (p.Arg1208Gly). This variant is present in population databases (no rsID available, gnomAD 0.0009%). This variant has not been reported in the literature in individuals affected with TONSL-related conditions. Invitae Evidence Modeling of protein sequence and biophysical properties (such as structural, functional, and spatial information, amino acid conservation, physicochemical variation, residue mobility, and thermodynamic stability) indicates that this missense variant is expected to disrupt TONSL protein function with a positive predictive value of 80%. In summary, the available evidence is currently insufficient to determine the role of this variant in disease. Therefore, it has been classified as a Variant of Uncertain Significance.